The following is an entry in ClinVar:

ClinVar aggregate classification (germline): Benign/Likely benign. Review status: criteria provided, multiple submitters, no conflicts (2 of 4 stars). 5 submissions from 5 submitters: Benign (1); Likely benign (3). 1 of the submissions does not count toward it. Last evaluated 2026-01-26.

Conditions:
MCM2-related disorder. Also called: MCM2-related condition.

Allele frequency attached by ClinVar (database versions not stated): 1000 Genomes Project 0.00180; 1000 Genomes Project 30x 0.00187; gnomAD 0.00264 and 0.00279; TOPMed 0.00280; ESP Exome Variant Server 0.00331; ExAC 0.00349; gnomAD exomes 0.00354 and 0.00495.
gnomAD v4.1: 7,598 of 1,614,110 alleles (0.47%); highest among the groups gnomAD compares: South Asian, 0.73%; 30 homozygotes.

Submissions (5):

Labcorp Genetics (formerly Invitae), Labcorp
Classification: Likely benign. Last evaluated: 2026-01-26. Review status: criteria provided, single submitter. Criteria: Invitae Variant Classification Sherloc (09022015). Collection method: clinical testing. Allele origin: germline.

Athena Diagnostics
Classification: Likely benign. Last evaluated: 2018-11-16. Review status: criteria provided, single submitter. Criteria: Athena Diagnostics Criteria. Collection method: clinical testing. Allele origin: germline.

GeneDx
Classification: Benign. Last evaluated: 2018-07-20. Review status: criteria provided, single submitter. Criteria: GeneDx Variant Classification Process June 2021. Collection method: clinical testing. Allele origin: germline. Affected: yes.

Breakthrough Genomics
Classification: Likely benign. Review status: criteria provided, single submitter. Criteria: ACMG Guidelines, 2015. Collection method: not provided. Allele origin: germline. Inheritance: Autosomal dominant inheritance. Affected: yes.

PreventionGenetics, part of Exact Sciences
Classification: Benign for MCM2-related condition. Last evaluated: 2019-07-24. Review status: no assertion criteria provided. Collection method: clinical testing. Allele origin: germline. Not counted in ClinVar's aggregate classification.
Comment: This variant is classified as benign based on ACMG/AMP sequence variant interpretation guidelines (Richards et al. 2015 PMID: 25741868, with internal and published modifications).

NM_004526.4(MCM2):c.1501G>A (p.Gly501Arg)

Gene: MCM2 (minichromosome maintenance complex component 2; plus strand). Cytogenetic location: 3q21.3.
Variant type: single nucleotide variant.
Coding change: c.1501G>A on transcript NM_004526.4 (MANE Select); coding-DNA position 1501, G replaced by A.
Protein change: p.Gly501Arg; replaces glycine 501 with arginine.
Molecular consequence: missense variant. On other transcripts: non-coding transcript variant (1).
Genome position (GRCh38, 1-based): chr3:127,615,934, G>A. VCF-style: chr3-127615934-G-A. GRCh37 (hg19) VCF-style: chr3-127334777-G-A.
Other names: short protein forms G501R.
Identifiers: ClinVar variation 508702 (VCV000508702.15), dbSNP rs13087457, ClinGen allele CA2595923.
Genomic context (GRCh38, chr3:127,615,934, plus strand): 5'-ATTGCTCCTTCCATCTATGGTCATGAAGACATCAAGAGAGGCCTGGCTCTGGCCCTGTTC[G>A]GAGGGGAGCCCAAAAACCCAGGTGAGCACCCACCTTTCCTCTGCAGGGGTGTTAGCAGCT-3'
Protein context (NP_004517.2, residues 491-511): IKRGLALALF[Gly501Arg]GEPKNPGGKH